The following is an entry in ClinVar:

ClinVar aggregate classification (germline): Uncertain significance. Review status: criteria provided, multiple submitters, no conflicts (2 of 4 stars). 3 submissions from 3 submitters: Uncertain significance (2). 1 of the submissions does not count toward it. Last evaluated 2026-01-17.

Conditions:
Inborn genetic diseases. Identifiers: MedGen C0950123, MeSH D030342.
LTBP2-related disorder. Also called: LTBP2-related disorders; LTBP2-related condition.

Allele frequency attached by ClinVar (database versions not stated): gnomAD exomes 0.00002 and 0.00005; gnomAD 0.00004 and 0.00005; TOPMed 0.00004.
gnomAD v4.1: 35 of 1,551,884 alleles (0.0023%); highest among the groups gnomAD compares: African/African-American, 0.0082%; no homozygotes.

Submissions (3):

Labcorp Genetics (formerly Invitae), Labcorp
Classification: Uncertain significance. Last evaluated: 2026-01-17. Review status: criteria provided, single submitter. Criteria: Invitae Variant Classification Sherloc (09022015). Collection method: clinical testing. Allele origin: germline.
Comment: This sequence change replaces glutamic acid, which is acidic and polar, with lysine, which is basic and polar, at codon 949 of the LTBP2 protein (p.Glu949Lys). This variant is present in population databases (no rsID available, gnomAD 0.02%). This variant has not been reported in the literature in individuals affected with LTBP2-related conditions. ClinVar contains an entry for this variant (Variation ID: 1387404). An algorithm developed to predict the effect of missense changes on protein structure and function (PolyPhen-2) suggests that this variant is likely to be tolerated. In summary, the available evidence is currently insufficient to determine the role of this variant in disease. Therefore, it has been classified as a Variant of Uncertain Significance.

Ambry Genetics
Classification: Uncertain significance for Inborn genetic diseases. Last evaluated: 2025-03-19. Review status: criteria provided, single submitter. Criteria: Ambry Variant Classification Scheme 2023. Collection method: clinical testing. Allele origin: germline.

PreventionGenetics, part of Exact Sciences
Classification: Uncertain significance for LTBP2-related condition. Last evaluated: 2024-09-27. Review status: no assertion criteria provided. Collection method: clinical testing. Allele origin: germline. Not counted in ClinVar's aggregate classification.
Comment: The LTBP2 c.2845G>A variant is predicted to result in the amino acid substitution p.Glu949Lys. To our knowledge, this variant has not been reported in the literature. This variant is reported in 0.017% of alleles in individuals of African descent in gnomAD. At this time, the clinical significance of this variant is uncertain due to the absence of conclusive functional and genetic evidence.

NM_000428.3(LTBP2):c.2845G>A (p.Glu949Lys)

Gene: LTBP2 (latent transforming growth factor beta binding protein 2; minus strand). Cytogenetic location: 14q24.3.
Variant type: single nucleotide variant.
Coding change: c.2845G>A on transcript NM_000428.3 (MANE Select); coding-DNA position 2845, G replaced by A.
Protein change: p.Glu949Lys; replaces glutamic acid 949 with lysine.
Molecular consequence: missense variant.
Genome position (GRCh38, 1-based): chr14:74,516,885, C>T on the plus strand (G>A on the coding strand, the complement: LTBP2 is on the minus strand). VCF-style: chr14-74516885-C-T. GRCh37 (hg19) VCF-style: chr14-74983588-C-T.
Other names: c.2845G>A (NM_000428.2); short protein forms E949K.
Identifiers: ClinVar variation 1387404 (VCV001387404.8), dbSNP rs1304636208, ClinGen allele CA390390606.